The following is an entry in ClinVar:

ClinVar aggregate classification (germline): Uncertain significance (1 of 4 stars; one submission).

Conditions:
Hereditary cancer-predisposing syndrome. Also called: Neoplastic Syndromes, Hereditary; Tumor predisposition; Hereditary Cancer Syndrome; Hereditary neoplastic syndrome. Identifiers: Orphanet 140162, MedGen C0027672, MeSH D009386, MONDO:0015356.

Submission:

Ambry Genetics
Classification: Uncertain significance for Hereditary cancer-predisposing syndrome. Last evaluated: 2025-09-02. Review status: criteria provided, single submitter. Criteria: Ambry Variant Classification Scheme 2023. Collection method: clinical testing. Allele origin: germline.
Comment: The p.R543G variant (also known as c.1627C>G), located in coding exon 12 of the PTCH1 gene, results from a C to G substitution at nucleotide position 1627. The arginine at codon 543 is replaced by glycine, an amino acid with dissimilar properties. This amino acid position is conserved. In addition, this alteration is predicted to be deleterious by in silico analysis. Based on the available evidence, the clinical significance of this variant remains unclear.

NM_000264.5(PTCH1):c.1627C>G (p.Arg543Gly)

Gene: PTCH1 (patched 1; minus strand). Cytogenetic location: 9q22.32.
Variant type: single nucleotide variant.
Coding change: c.1627C>G on transcript NM_000264.5 (MANE Select); coding-DNA position 1627, C replaced by G.
Protein change: p.Arg543Gly; replaces arginine 543 with glycine.
Molecular consequence: missense variant. On other transcripts: non-coding transcript variant (1).
Genome position (GRCh38, 1-based): chr9:95,476,135, G>C on the plus strand (C>G on the coding strand, the complement: PTCH1 is on the minus strand). VCF-style: chr9-95476135-G-C. GRCh37 (hg19) VCF-style: chr9-98238417-G-C.
Other names: c.1429C>G, p.Arg477Gly (NM_001083602.3); c.1624C>G, p.Arg542Gly (NM_001083603.3); c.1174C>G, p.Arg392Gly (NM_001083604.3, NM_001083605.3, NM_001083606.3 and 1 more transcripts); c.1471C>G, p.Arg491Gly (NM_001354918.2); short protein forms R392G, R477G, R491G, R542G, R543G.
Identifiers: ClinVar variation 1776722 (VCV001776722.4), dbSNP rs137903539, ClinGen allele CA374118075.